The following is an entry in ClinVar:

ClinVar aggregate classification (germline): Uncertain significance (1 of 4 stars; one submission).

Allele frequency attached by ClinVar (database versions not stated): TOPMed 0.00001.

Submission:

Labcorp Genetics (formerly Invitae), Labcorp
Classification: Uncertain significance. Last evaluated: 2022-12-06. Review status: criteria provided, single submitter. Criteria: Invitae Variant Classification Sherloc (09022015). Collection method: clinical testing. Allele origin: germline.
Comment: In summary, the available evidence is currently insufficient to determine the role of this variant in disease. Therefore, it has been classified as a Variant of Uncertain Significance. Algorithms developed to predict the effect of missense changes on protein structure and function (SIFT, PolyPhen-2, Align-GVGD) all suggest that this variant is likely to be tolerated. This variant has not been reported in the literature in individuals affected with OBSL1-related conditions. This variant is not present in population databases (gnomAD no frequency). This sequence change replaces glutamic acid, which is acidic and polar, with glycine, which is neutral and non-polar, at codon 391 of the OBSL1 protein (p.Glu391Gly).

NM_015311.3(OBSL1):c.1172A>G (p.Glu391Gly)

Gene: OBSL1 (obscurin like cytoskeletal adaptor 1; minus strand). Cytogenetic location: 2q35.
Variant type: single nucleotide variant.
Coding change: c.1172A>G on transcript NM_015311.3 (MANE Select); coding-DNA position 1172, A replaced by G.
Protein change: p.Glu391Gly; replaces glutamic acid 391 with glycine.
Molecular consequence: missense variant.
Genome position (GRCh38, 1-based): chr2:219,568,165, T>C on the plus strand (A>G on the coding strand, the complement: OBSL1 is on the minus strand). VCF-style: chr2-219568165-T-C. GRCh37 (hg19) VCF-style: chr2-220432887-T-C.
Other names: c.1172A>G, p.Glu391Gly (NM_001173408.2, NM_001173431.2); short protein forms E391G.
Identifiers: ClinVar variation 1897069 (VCV001897069.5), dbSNP rs1697061962, ClinGen allele CA350760660.